The following is an entry in ClinVar:

ClinVar aggregate classification (germline): Uncertain significance. Review status: criteria provided, multiple submitters, no conflicts (2 of 4 stars). 2 submissions from 2 submitters: Uncertain significance (2). Last evaluated 2025-11-25.

Conditions:
Inborn genetic diseases. Identifiers: MedGen C0950123, MeSH D030342.

Allele frequency attached by ClinVar (database versions not stated): ExAC 0.00001; gnomAD 0.00001; TOPMed 0.00002; gnomAD exomes 0.00001.
gnomAD v4.1: 19 of 1,613,660 alleles (0.0012%); highest among the groups gnomAD compares: Admixed American, 0.0017%; no homozygotes.

Submissions (2):

Ambry Genetics
Classification: Uncertain significance for Inborn genetic diseases. Last evaluated: 2025-11-25. Review status: criteria provided, single submitter. Criteria: Ambry Variant Classification Scheme 2023. Collection method: clinical testing. Allele origin: germline.

GeneDx
Classification: Uncertain significance. Last evaluated: 2024-04-13. Review status: criteria provided, single submitter. Criteria: GeneDx Variant Classification Process June 2021. Collection method: clinical testing. Allele origin: germline. Affected: yes.
Comment: Has not been previously published as pathogenic or benign to our knowledge; Not observed at significant frequency in large population cohorts (gnomAD); In silico analysis indicates that this missense variant does not alter protein structure/function

NM_173076.3(ABCA12):c.2362A>G (p.Ile788Val)

Gene: ABCA12 (ATP binding cassette subfamily A member 12; minus strand). Cytogenetic location: 2q35.
Variant type: single nucleotide variant.
Coding change: c.2362A>G on transcript NM_173076.3 (MANE Select); coding-DNA position 2362, A replaced by G.
Protein change: p.Ile788Val; replaces isoleucine 788 with valine.
Molecular consequence: missense variant. On other transcripts: non-coding transcript variant (1).
Genome position (GRCh38, 1-based): chr2:215,010,441, T>C on the plus strand (A>G on the coding strand, the complement: ABCA12 is on the minus strand). VCF-style: chr2-215010441-T-C. GRCh37 (hg19) VCF-style: chr2-215875165-T-C.
Other names: c.1408A>G, p.Ile470Val (NM_015657.4); short protein forms I788V, I470V.
Identifiers: ClinVar variation 2264947 (VCV002264947.4), dbSNP rs761667655, ClinGen allele CA2091978.